The following is an entry in ClinVar:

ClinVar aggregate classification (germline): Pathogenic (1 of 4 stars; one submission).

Conditions:
Familial adenomatous polyposis 1 (FAP1). Also called: FAMILIAL ADENOMATOUS POLYPOSIS 1, ATTENUATED; POLYPOSIS, ADENOMATOUS INTESTINAL. Identifiers: MedGen C2713442, MONDO:0021056, OMIM 175100. Disease mechanism: loss of function.

Submission:

Myriad Genetics, Inc.
Classification: Pathogenic for Familial adenomatous polyposis 1. Last evaluated: 2023-04-25. Review status: criteria provided, single submitter. Criteria: Myriad Autosomal Dominant, Autosomal Recessive and X-Linked Classification Criteria (2023). Collection method: clinical testing. Allele origin: unknown.
Comment: This variant is considered pathogenic. This variant creates a frameshift predicted to result in premature protein truncation.

NM_000038.6(APC):c.254dup (p.Leu87fs)

Gene: APC (APC regulator of Wnt signaling pathway; plus strand). Cytogenetic location: 5q22.2.
Variant type: Duplication.
Coding change: c.254dup on transcript NM_000038.6 (MANE Select); coding-DNA position 254, one base duplicated (T; older notation c.254dupT).
Protein change: p.Leu87fs; shifts the reading frame from leucine 87.
Molecular consequence: frameshift variant. On other transcripts: 5 prime UTR variant (4), non-coding transcript variant (2).
Genome position (GRCh38, 1-based): chr5:112,767,222, T duplicated. VCF-style (leftmost placement, unchanged base first): chr5-112767221-G-GT. GRCh37 (hg19) VCF-style: chr5-112102918-G-GT.
Other names: c.254dup, p.Leu87fs (NM_001127510.3, NM_001354895.2, NM_001354896.2 and 16 more transcripts); c.284dup, p.Leu97fs (NM_001127511.3, NM_001354897.2, NM_001354902.2 and 1 more transcripts); c.179dup, p.Leu62fs (NM_001354898.2, NM_001354904.2, NM_001407451.1); c.77dup, p.Leu28fs (NM_001354900.2, NM_001354901.2, NM_001354905.2 and 1 more transcripts); c.-782dup (NM_001354906.2, NM_001407470.1, NM_001407471.1 and 1 more transcripts); short protein forms L28fs, L62fs, L87fs, L97fs.
Identifiers: ClinVar variation 2583914 (VCV002583914.2), dbSNP rs2532291625, ClinGen allele CA2582341253.